The following is an entry in ClinVar:

ClinVar aggregate classification (germline): Likely pathogenic. Review status: criteria provided, multiple submitters, no conflicts (2 of 4 stars). 3 submissions from 3 submitters: Likely pathogenic (3). Last evaluated 2026-08-25.

Conditions:
ALG9 congenital disorder of glycosylation (CDG1L). Also called: CDG Il; CONGENITAL DISORDER OF GLYCOSYLATION, TYPE Il; ALG9-CDG. Identifiers: Orphanet 79328, MedGen C2931006, MONDO:0012117, OMIM 608776.
Gillessen-Kaesbach-Nishimura syndrome (GIKANIS). Identifiers: MedGen C1849762, MONDO:0009890, OMIM 263210.

Allele frequency attached by ClinVar (database versions not stated): gnomAD exomes 0.00001.
gnomAD v4.1: 3 of 1,613,540 alleles (0.00019%); highest among the groups gnomAD compares: Non-Finnish European, 0.00025%; no homozygotes.

Submissions (3):

MVZ Medizinische Genetik Mainz
Classification: Likely pathogenic for ALG9 congenital disorder of glycosylation. Last evaluated: 2026-08-25. Review status: criteria provided, single submitter. Criteria: UK Practice Guidelines For Variant Classification V4 01 2020. Collection method: clinical testing. Allele origin: germline. Inheritance: Autosomal dominant inheritance. Affected: yes. Observed: 1 variant allele.
Comment: ACMG Criteria: PVS1,PM2_SUP

Fulgent Genetics
Classification: Likely pathogenic for Gillessen-Kaesbach-Nishimura syndrome; ALG9 congenital disorder of glycosylation. Last evaluated: 2024-05-14. Review status: criteria provided, single submitter. Criteria: ACMG Guidelines, 2015. Collection method: clinical testing. Allele origin: germline.

Labcorp Genetics (formerly Invitae), Labcorp
Classification: Likely pathogenic for ALG9 congenital disorder of glycosylation. Last evaluated: 2022-06-17. Review status: criteria provided, single submitter. Criteria: Invitae Variant Classification Sherloc (09022015). Collection method: clinical testing. Allele origin: germline.
Comment: In summary, the currently available evidence indicates that the variant is pathogenic, but additional data are needed to prove that conclusively. Therefore, this variant has been classified as Likely Pathogenic. Algorithms developed to predict the effect of sequence changes on RNA splicing suggest that this variant may disrupt the consensus splice site. This variant has not been reported in the literature in individuals affected with ALG9-related conditions. This variant is not present in population databases (gnomAD no frequency). This sequence change affects a splice site in intron 8 of the ALG9 gene. It is expected to disrupt RNA splicing. Variants that disrupt the donor or acceptor splice site typically lead to a loss of protein function (PMID: 16199547), and loss-of-function variants in ALG9 are known to be pathogenic (PMID: 25966638).

Literature cited by the submitters: PubMed 16199547 (cited by Labcorp Genetics (formerly Invitae), Labcorp); PubMed 25966638 (cited by Labcorp Genetics (formerly Invitae), Labcorp).

NM_024740.2(ALG9):c.896-2A>G

Gene: ALG9 (ALG9 alpha-1,2-mannosyltransferase; minus strand). Cytogenetic location: 11q23.1.
Variant type: single nucleotide variant.
Coding change: c.896-2A>G on transcript NM_024740.2 (MANE Select); the canonical splice acceptor site of the intron before coding-DNA position 896, A replaced by G.
Molecular consequence: splice acceptor variant. On other transcripts: intron variant (2).
Genome position (GRCh38, 1-based): chr11:111,844,725, T>C on the plus strand (A>G on the coding strand, the complement: ALG9 is on the minus strand). VCF-style: chr11-111844725-T-C. GRCh37 (hg19) VCF-style: chr11-111715448-T-C.
Other names: c.383-2A>G (NM_001352409.1, NM_001352410.1, NM_001352413.1 and 10 more transcripts); c.896-3916A>G (NM_001352418.1); c.896-2A>G (NM_001352417.1, NM_001077690.1); c.308-2A>G (NM_001352422.2); c.383-3916A>G (NM_001352423.2).
Identifiers: ClinVar variation 2007716 (VCV002007716.6), dbSNP rs2497110387, ClinGen allele CA382600506.